The following is an entry in ClinVar:

ClinVar aggregate classification (germline): Uncertain significance (1 of 4 stars; one submission).

gnomAD v4.1: 3 of 1,614,022 alleles (0.00019%); highest among the groups gnomAD compares: Non-Finnish European, 0.00025%; no homozygotes.

Submission:

Ambry Genetics
Classification: Uncertain significance. Last evaluated: 2026-04-11. Review status: criteria provided, single submitter. Criteria: Ambry Variant Classification Scheme 2023. Collection method: clinical testing. Allele origin: germline.
Comment: The c.256G>A (p.E86K) alteration is located in exon 2 (coding exon 1) of the KCNB2 gene. This alteration results from a G to A substitution at nucleotide position 256, causing the glutamic acid (E) at amino acid position 86 to be replaced by a lysine (K). Based on data from gnomAD, the A allele has an overall frequency of <0.001% (1/251316) total alleles studied. The highest observed frequency was 0.001% (1/113650) of European (non-Finnish) alleles. Based on insufficient or conflicting evidence, the clinical significance of this alteration remains unclear.

NM_004770.3(KCNB2):c.256G>A (p.Glu86Lys)

Gene: KCNB2 (potassium voltage-gated channel subfamily B member 2; plus strand). Cytogenetic location: 8q21.11.
Variant type: single nucleotide variant.
Coding change: c.256G>A on transcript NM_004770.3 (MANE Select); coding-DNA position 256, G replaced by A.
Protein change: p.Glu86Lys; replaces glutamic acid 86 with lysine.
Molecular consequence: missense variant.
Genome position (GRCh38, 1-based): chr8:72,567,990, G>A. VCF-style: chr8-72567990-G-A. GRCh37 (hg19) VCF-style: chr8-73480225-G-A.
Other names: short protein forms E86K.
Identifiers: ClinVar variation 4858610 (VCV004858610.1).
Genomic context (GRCh38, chr8:72,567,990, plus strand): 5'-GACTGCAACACACACGAGAGCCTCCTGGAAGTGTGCGACGACTATAATCTGAACGAGAAC[G>A]AGTATTTCTTTGATCGGCATCCAGGAGCCTTCACTTCCATTTTAAATTTCTACCGGACCG-3'
Protein context (NP_004761.2, residues 76-96): VCDDYNLNEN[Glu86Lys]YFFDRHPGAF